The following is an entry in ClinVar:

NM_014714.4(IFT140):c.1361A>G (p.Asp454Gly)

Genes: IFT140 (intraflagellar transport 140; minus strand), LOC105371046 (uncharacterized LOC105371046; plus strand). Cytogenetic location: 16p13.3.
Variant type: single nucleotide variant.
Coding change: c.1361A>G on transcript NM_014714.4 (MANE Select); coding-DNA position 1361, A replaced by G.
Protein change: p.Asp454Gly; replaces aspartic acid 454 with glycine.
Molecular consequence: missense variant.
Genome position (GRCh38, 1-based): chr16:1,583,385, T>C on the plus strand (A>G on the coding strand, the complement: IFT140 is on the minus strand). VCF-style: chr16-1583385-T-C. GRCh37 (hg19) VCF-style: chr16-1633386-T-C.
Other names: c.1361A>G (NM_014714.3); short protein forms D454G.
Identifiers: ClinVar variation 1366632 (VCV001366632.10), dbSNP rs376263938, ClinGen allele CA7814327.

ClinVar aggregate classification (germline): Uncertain significance. Review status: criteria provided, multiple submitters, no conflicts (2 of 4 stars). 3 submissions from 3 submitters: Uncertain significance (3). Last evaluated 2024-07-17.

Conditions:
Saldino-Mainzer syndrome (SRTD9). Also called: CONORENAL SYNDROME; Renal dysplasia, retinal pigmentary dystrophy, cerebellar ataxia and skeletal dysplasia; SHORT-RIB THORACIC DYSPLASIA 9 WITHOUT POLYDACTYLY; short-rib thoracic dysplasia 9 with or without polydactyly. Identifiers: Orphanet 140969, MedGen C1849437, MONDO:0009964, OMIM 266920.
Retinitis pigmentosa 80 (RP80). Identifiers: MedGen C4540439, MONDO:0054708, OMIM 617781.
Inborn genetic diseases. Identifiers: MedGen C0950123, MeSH D030342.

Allele frequency attached by ClinVar (database versions not stated): gnomAD 0.00001; ESP Exome Variant Server 0.00008.
gnomAD v4.1: 3 of 1,613,858 alleles (0.00019%); highest among the groups gnomAD compares: African/African-American, 0.0027%; no homozygotes.

Submissions (3):

Ambry Genetics
Classification: Uncertain significance for Inborn genetic diseases. Last evaluated: 2024-07-17. Review status: criteria provided, single submitter. Criteria: Ambry Variant Classification Scheme 2023. Collection method: clinical testing. Allele origin: germline.

Fulgent Genetics
Classification: Uncertain significance for Saldino-Mainzer syndrome; Retinitis pigmentosa 80. Last evaluated: 2024-05-28. Review status: criteria provided, single submitter. Criteria: ACMG Guidelines, 2015. Collection method: clinical testing. Allele origin: germline.

Labcorp Genetics (formerly Invitae), Labcorp
Classification: Uncertain significance for Saldino-Mainzer syndrome. Last evaluated: 2022-07-12. Review status: criteria provided, single submitter. Criteria: Invitae Variant Classification Sherloc (09022015). Collection method: clinical testing. Allele origin: germline.
Comment: In summary, the available evidence is currently insufficient to determine the role of this variant in disease. Therefore, it has been classified as a Variant of Uncertain Significance. Algorithms developed to predict the effect of missense changes on protein structure and function are either unavailable or do not agree on the potential impact of this missense change (SIFT: "Tolerated"; PolyPhen-2: "Possibly Damaging"; Align-GVGD: "Class C0"). ClinVar contains an entry for this variant (Variation ID: 1366632). This variant has not been reported in the literature in individuals affected with IFT140-related conditions. This variant is present in population databases (rs376263938, gnomAD 0.007%). This sequence change replaces aspartic acid, which is acidic and polar, with glycine, which is neutral and non-polar, at codon 454 of the IFT140 protein (p.Asp454Gly).